The following is an entry in ClinVar:

ClinVar aggregate classification (germline): Likely benign. Review status: criteria provided, single submitter (1 of 4 stars). 2 submissions from 2 submitters: Likely benign (1). 1 of the submissions does not count toward it. Last evaluated 2026-08-01.

Conditions:
FMN2-related disorder. Also called: FMN2-related condition.

Allele frequency attached by ClinVar (database versions not stated): ExAC 0.00079.

Submissions (2):

CeGaT Center for Human Genetics Tuebingen
Classification: Likely benign. Last evaluated: 2026-08-01. Review status: criteria provided, single submitter. Criteria: CeGaT Center For Human Genetics Tuebingen Variant Classification Criteria Version 2. Collection method: clinical testing. Allele origin: germline. Affected: yes. Observed: 3 variant alleles.
Comment: FMN2: BP4, BP7

PreventionGenetics, part of Exact Sciences
Classification: Likely benign for FMN2-related condition. Last evaluated: 2020-08-06. Review status: no assertion criteria provided. Collection method: clinical testing. Allele origin: germline. Not counted in ClinVar's aggregate classification.
Comment: This variant is classified as likely benign based on ACMG/AMP sequence variant interpretation guidelines (Richards et al. 2015 PMID: 25741868, with internal and published modifications).

NM_020066.5(FMN2):c.3456C>T (p.Pro1152=)

Gene: FMN2 (formin 2; plus strand). Cytogenetic location: 1q43.
Variant type: single nucleotide variant.
Coding change: c.3456C>T on transcript NM_020066.5 (MANE Select); coding-DNA position 3456, C replaced by T.
Protein change: p.Pro1152=; no amino-acid change (proline 1152 retained).
Molecular consequence: synonymous variant. On other transcripts: intron variant (1).
Genome position (GRCh38, 1-based): chr1:240,208,268, C>T. VCF-style: chr1-240208268-C-T. GRCh37 (hg19) VCF-style: chr1-240371568-C-T.
Other names: c.3468C>T, p.Pro1156= (NM_001305424.2); c.1986+20006C>T (NM_001348094.2).
Identifiers: ClinVar variation 3054120 (VCV003054120.15), dbSNP rs772248129, ClinGen allele CA1477189.